The following is an entry in ClinVar:

NM_000455.5(STK11):c.156G>C (p.Gly52=)

Gene: STK11 (serine/threonine kinase 11; plus strand). Cytogenetic location: 19p13.3.
Variant type: single nucleotide variant.
Coding change: c.156G>C on transcript NM_000455.5 (MANE Select); coding-DNA position 156, G replaced by C.
Protein change: p.Gly52=; no amino-acid change (glycine 52 retained).
Molecular consequence: synonymous variant. On other transcripts: non-coding transcript variant (1).
Genome position (GRCh38, 1-based): chr19:1,207,069, G>C. VCF-style: chr19-1207069-G-C. GRCh37 (hg19) VCF-style: chr19-1207068-G-C.
Other names: c.156G>C, p.Gly52= (NM_001407255.1).
Identifiers: ClinVar variation 1775488 (VCV001775488.3), dbSNP rs1060499953, ClinGen allele CA504706187.

ClinVar aggregate classification (germline): Benign/Likely benign. Review status: criteria provided, multiple submitters, no conflicts (2 of 4 stars). 2 submissions from 2 submitters: Benign (1); Likely benign (1). Last evaluated 2025-03-25.

Conditions:
Hereditary cancer-predisposing syndrome. Also called: Tumor predisposition; Neoplastic Syndromes, Hereditary; Hereditary Cancer Syndrome; Hereditary neoplastic syndrome. Identifiers: Orphanet 140162, MedGen C0027672, MeSH D009386, MONDO:0015356.
Peutz-Jeghers syndrome (PJS). Also called: POLYPOSIS, HAMARTOMATOUS INTESTINAL; POLYPS-AND-SPOTS SYNDROME; Peutz-Jeghers polyposis; Periorificial lentiginosis syndrome. Identifiers: Orphanet 2869, MedGen C0031269, MeSH D010580, MONDO:0008280, OMIM 175200.

Submissions (2):

Myriad Genetics, Inc.
Classification: Benign for Peutz-Jeghers syndrome. Last evaluated: 2025-03-25. Review status: criteria provided, single submitter. Criteria: Myriad Autosomal Dominant, Autosomal Recessive and X-Linked Classification Criteria (2023). Collection method: clinical testing. Allele origin: unknown.
Comment: This variant is considered benign. This variant is a silent/synonymous amino acid change and it is not expected to impact splicing.

Ambry Genetics
Classification: Likely benign for Hereditary cancer-predisposing syndrome. Last evaluated: 2022-06-13. Review status: criteria provided, single submitter. Criteria: Ambry Variant Classification Scheme 2023. Collection method: clinical testing. Allele origin: germline.